The following is an entry in ClinVar:

ClinVar aggregate classification (germline): Uncertain significance (1 of 4 stars; one submission).

Conditions:
Dilated cardiomyopathy 1DD (CMD1DD). Identifiers: Orphanet 154, MedGen C2750995, MONDO:0013168, OMIM 613172.

Submission:

Labcorp Genetics (formerly Invitae), Labcorp
Classification: Uncertain significance for Dilated cardiomyopathy 1DD. Last evaluated: 2024-07-31. Review status: criteria provided, single submitter. Criteria: Invitae Variant Classification Sherloc (09022015). Collection method: clinical testing. Allele origin: germline.
Comment: This sequence change replaces glycine, which is neutral and non-polar, with aspartic acid, which is acidic and polar, at codon 374 of the RBM20 protein (p.Gly374Asp). This variant is not present in population databases (gnomAD no frequency). This variant has not been reported in the literature in individuals affected with RBM20-related conditions. Advanced modeling of protein sequence and biophysical properties (such as structural, functional, and spatial information, amino acid conservation, physicochemical variation, residue mobility, and thermodynamic stability) performed at Invitae indicates that this missense variant is not expected to disrupt RBM20 protein function with a negative predictive value of 95%. In summary, the available evidence is currently insufficient to determine the role of this variant in disease. Therefore, it has been classified as a Variant of Uncertain Significance.

NM_001134363.3(RBM20):c.1121G>A (p.Gly374Asp)

Gene: RBM20 (RNA binding motif protein 20; plus strand). Cytogenetic location: 10q25.2.
Variant type: single nucleotide variant.
Coding change: c.1121G>A on transcript NM_001134363.3 (MANE Select); coding-DNA position 1121, G replaced by A.
Protein change: p.Gly374Asp; replaces glycine 374 with aspartic acid.
Molecular consequence: missense variant.
Genome position (GRCh38, 1-based): chr10:110,781,730, G>A. VCF-style: chr10-110781730-G-A. GRCh37 (hg19) VCF-style: chr10-112541488-G-A.
Other names: short protein forms G374D.
Identifiers: ClinVar variation 3682440 (VCV003682440.2).